The following is an entry in ClinVar:

NM_005857.5(ZMPSTE24):c.1018T>C (p.Trp340Arg)

Gene: ZMPSTE24 (zinc metallopeptidase STE24; plus strand). Cytogenetic location: 1p34.2.
Variant type: single nucleotide variant.
Coding change: c.1018T>C on transcript NM_005857.5 (MANE Select); coding-DNA position 1018, T replaced by C.
Protein change: p.Trp340Arg; replaces tryptophan 340 with arginine.
Molecular consequence: missense variant.
Genome position (GRCh38, 1-based): chr1:40,285,988, T>C. VCF-style: chr1-40285988-T-C. GRCh37 (hg19) VCF-style: chr1-40751660-T-C.
Other names: c.1018T>C, p.Trp340Arg (LRG_212t1); short protein forms W340R.
Identifiers: ClinVar variation 4272 (VCV000004272.1), dbSNP rs121908093, ClinGen allele CA116750.
Genomic context (GRCh38, chr1:40,285,988, plus strand): 5'-AAGAAACAAGGATGTAAAAATGAGGAGGTACTCGCTGTACTAGGCCATGAACTGGGGCAC[T>C]GGAAGTTGGGACATACAGTCAAAAATATCATTATTAGCCAGGTAAGTGTGGAGTGACAAT-3'
Protein context (NP_005848.2, residues 330-350): LAVLGHELGH[Trp340Arg]KLGHTVKNII

ClinVar aggregate classification (germline): Pathogenic. Review status: no assertion criteria provided (0 of 4 stars). 2 submissions from 2 submitters: Pathogenic (1). 1 of the submissions does not count toward it. Last evaluated 2003-08-15.

Conditions:
Mandibuloacral dysplasia with type B lipodystrophy (MADB). Also called: LIPODYSTROPHY, TYPE B, ASSOCIATED WITH MANDIBULOACRAL DYSPLASIA. Identifiers: Orphanet 2457, Orphanet 90154, MedGen C1837756, MONDO:0012074, OMIM 608612.

Submissions (2):

OMIM
Classification: Pathogenic for MANDIBULOACRAL DYSPLASIA WITH TYPE B LIPODYSTROPHY. Last evaluated: 2003-08-15. Review status: no assertion criteria provided. Collection method: literature only. Allele origin: germline.

ZMPSTE24 homepage - Leiden Muscular Dystrophy pages
No classification provided. Review status: no classification provided. Collection method: not provided. Allele origin: germline. Not counted in ClinVar's aggregate classification.
Comment: probably has functional consequence

Literature cited by the submitters: PubMed 12913070 (cited by OMIM).